The following is an entry in ClinVar:

ClinVar aggregate classification (germline): Uncertain significance (1 of 4 stars; one submission).

Submission:

Labcorp Genetics (formerly Invitae), Labcorp
Classification: Uncertain significance. Last evaluated: 2022-09-21. Review status: criteria provided, single submitter. Criteria: Invitae Variant Classification Sherloc (09022015). Collection method: clinical testing. Allele origin: germline.
Comment: In summary, the available evidence is currently insufficient to determine the role of this variant in disease. Therefore, it has been classified as a Variant of Uncertain Significance. Algorithms developed to predict the effect of missense changes on protein structure and function output the following: SIFT: "Tolerated"; PolyPhen-2: "Benign"; Align-GVGD: "Class C0". The valine amino acid residue is found in multiple mammalian species, which suggests that this missense change does not adversely affect protein function. This variant has not been reported in the literature in individuals affected with CAPN5-related conditions. This variant is not present in population databases (gnomAD no frequency). This sequence change replaces isoleucine, which is neutral and non-polar, with valine, which is neutral and non-polar, at codon 567 of the CAPN5 protein (p.Ile567Val).

NM_004055.5(CAPN5):c.1699A>G (p.Ile567Val)

Gene: CAPN5 (calpain 5; plus strand). Cytogenetic location: 11q13.5.
Variant type: single nucleotide variant.
Coding change: c.1699A>G on transcript NM_004055.5 (MANE Select); coding-DNA position 1699, A replaced by G.
Protein change: p.Ile567Val; replaces isoleucine 567 with valine.
Molecular consequence: missense variant.
Genome position (GRCh38, 1-based): chr11:77,122,671, A>G. VCF-style: chr11-77122671-A-G. GRCh37 (hg19) VCF-style: chr11-76833717-A-G.
Other names: short protein forms I567V.
Identifiers: ClinVar variation 1719972 (VCV001719972.5), dbSNP rs2496315013, ClinGen allele CA381944637.